The following is an entry in ClinVar:

NM_000104.4(CYP1B1):c.1133T>A (p.Leu378Gln)

Gene: CYP1B1 (cytochrome P450 family 1 subfamily B member 1; minus strand). Cytogenetic location: 2p22.2.
Variant type: single nucleotide variant.
Coding change: c.1133T>A on transcript NM_000104.4 (MANE Select); coding-DNA position 1133, T replaced by A.
Protein change: p.Leu378Gln; replaces leucine 378 with glutamine.
Molecular consequence: missense variant.
Genome position (GRCh38, 1-based): chr2:38,071,221, A>T on the plus strand (T>A on the coding strand, the complement: CYP1B1 is on the minus strand). VCF-style: chr2-38071221-A-T. GRCh37 (hg19) VCF-style: chr2-38298364-A-T.
Other names: short protein forms L378Q.
Identifiers: ClinVar variation 2734164 (VCV002734164.5), dbSNP rs1275572421, ClinGen allele CA346327787.
Genomic context (GRCh38, chr2:38,071,221, plus strand): 5'-GTGACAGGCACAAAGCTGGAGAAGCGCATGGCTTCATAAAGGAAGGCCAGGACATAGGGC[A>T]GGTTGGGCTGGTCACCCATACAAGGCAGACGGTCCCTCCCCACGACCTGATCCAATTCTG-3'
Protein context (NP_000095.2, residues 368-388): RLPCMGDQPN[Leu378Gln]PYVLAFLYEA

ClinVar aggregate classification (germline): Conflicting classifications of pathogenicity. Review status: criteria provided, conflicting classifications (1 of 4 stars). 2 submissions from 2 submitters: Likely pathogenic (1); Uncertain significance (1). Last evaluated 2025-07-15.

Conditions:
Congenital glaucoma. Identifiers: MedGen C0020302, MONDO:0020366.

Submissions (2):

Dasa
Classification: Uncertain significance. Last evaluated: 2025-07-15. Review status: criteria provided, single submitter. Criteria: DASA Assertion Criteria. Collection method: clinical testing. Allele origin: germline.
Comment: NM_000104.4(CYP1B1):c.1133T>A (p.Leu378Gln) is a missense variant that results in the substitution of leucine with glutamine. This variant has been recurrently observed in individuals with CYP1B1-related disorders (PMID: 19528825; PMID: 27268095). Also, this variant is absent from population databases. Computational prediction algorithms are consistent with a deleterious effect. The currently available literature and clinical evidence are not sufficient to establish a definitive association between this variant and the reported condition. Therefore, this variant is classified as a variant of uncertain significance.

Labcorp Genetics (formerly Invitae), Labcorp
Classification: Likely pathogenic for Congenital glaucoma. Last evaluated: 2022-12-21. Review status: criteria provided, single submitter. Criteria: Invitae Variant Classification Sherloc (09022015). Collection method: clinical testing. Allele origin: germline.
Comment: This sequence change replaces leucine, which is neutral and non-polar, with glutamine, which is neutral and polar, at codon 378 of the CYP1B1 protein (p.Leu378Gln). This variant is not present in population databases (gnomAD no frequency). This missense change has been observed in individual(s) with primary congenital glaucoma (PMID: 19528825, 27268095). In at least one individual the data is consistent with being in trans (on the opposite chromosome) from a pathogenic variant. Advanced modeling of protein sequence and biophysical properties (such as structural, functional, and spatial information, amino acid conservation, physicochemical variation, residue mobility, and thermodynamic stability) has been performed at Invitae for this missense variant, however the output from this modeling did not meet the statistical confidence thresholds required to predict the impact of this variant on CYP1B1 protein function. In summary, the currently available evidence indicates that the variant is pathogenic, but additional data are needed to prove that conclusively. Therefore, this variant has been classified as Likely Pathogenic.

Literature cited by the submitters: PubMed 19528825 (cited by Dasa and Labcorp Genetics (formerly Invitae), Labcorp); PubMed 27268095 (cited by Dasa and Labcorp Genetics (formerly Invitae), Labcorp).